The following is an entry in ClinVar:

NM_152701.5(ABCA13):c.9844A>G (p.Ile3282Val)

Gene: ABCA13 (ATP binding cassette subfamily A member 13; plus strand). Cytogenetic location: 7p12.3.
Variant type: single nucleotide variant.
Coding change: c.9844A>G on transcript NM_152701.5 (MANE Select); coding-DNA position 9844, A replaced by G.
Protein change: p.Ile3282Val; replaces isoleucine 3282 with valine.
Molecular consequence: missense variant.
Genome position (GRCh38, 1-based): chr7:48,314,394, A>G. VCF-style: chr7-48314394-A-G. GRCh37 (hg19) VCF-style: chr7-48353991-A-G.
Other names: c.9844A>G (NM_152701.3); short protein forms I3282V.
Identifiers: ClinVar variation 787670 (VCV000787670.29), dbSNP rs188058983, ClinGen allele CA4258114.
Genomic context (GRCh38, chr7:48,314,394, plus strand): 5'-ATGTTTATTAATTTGCCCAGAGTTAAGGAACTCTTGGAAGATGACAAAGAAAAATTCAAC[A>G]TTCCTGAAGATTCAAGTAAGACAGTAGTAATATATATATATGTGTTTAGATTCGTTTGTA-3'
Protein context (NP_689914.3, residues 3272-3292): LLEDDKEKFN[Ile3282Val]PEDSTPFCLK

ClinVar aggregate classification (germline): Conflicting classifications of pathogenicity. Review status: criteria provided, conflicting classifications (1 of 4 stars). 4 submissions from 4 submitters: Uncertain significance (1); Likely benign (2). 1 of the submissions does not count toward it. Last evaluated 2026-04-01.

Conditions:
ABCA13-related disorder. Also called: ABCA13-related condition.

Allele frequency attached by ClinVar (database versions not stated): gnomAD exomes 0.00151 and 0.00221; ESP Exome Variant Server 0.00161; ExAC 0.00163; gnomAD 0.00163 and 0.00165; TOPMed 0.00174; 1000 Genomes Project 0.00260; 1000 Genomes Project 30x 0.00344.
gnomAD v4.1: 3,447 of 1,589,688 alleles (0.22%); highest among the groups gnomAD compares: Admixed American, 0.5%; 9 homozygotes.

Submissions (4):

CeGaT Center for Human Genetics Tuebingen
Classification: Likely benign. Last evaluated: 2026-04-01. Review status: criteria provided, single submitter. Criteria: CeGaT Center For Human Genetics Tuebingen Variant Classification Criteria Version 2. Collection method: clinical testing. Allele origin: germline. Affected: yes. Observed: 2 variant alleles.
Comment: ABCA13: BS1

Ambry Genetics
Classification: Uncertain significance. Last evaluated: 2025-08-20. Review status: criteria provided, single submitter. Criteria: Ambry Variant Classification Scheme 2023. Collection method: clinical testing. Allele origin: germline.

Labcorp Genetics (formerly Invitae), Labcorp
Classification: Likely benign. Last evaluated: 2017-12-13. Review status: criteria provided, single submitter. Criteria: Invitae Variant Classification Sherloc (09022015). Collection method: clinical testing. Allele origin: germline.

PreventionGenetics, part of Exact Sciences
Classification: Likely benign for ABCA13-related condition. Last evaluated: 2022-12-13. Review status: no assertion criteria provided. Collection method: clinical testing. Allele origin: germline. Not counted in ClinVar's aggregate classification.
Comment: This variant is classified as likely benign based on ACMG/AMP sequence variant interpretation guidelines (Richards et al. 2015 PMID: 25741868, with internal and published modifications).